The following is an entry in ClinVar:

ClinVar aggregate classification (germline): Uncertain significance (1 of 4 stars; one submission).

Allele frequency attached by ClinVar (database versions not stated): gnomAD exomes below 0.00001.
gnomAD v4.1: 1 of 1,614,178 alleles (0.000062%); highest among the groups gnomAD compares: Non-Finnish European, 0.000085%; no homozygotes.

Submission:

Labcorp Genetics (formerly Invitae), Labcorp
Classification: Uncertain significance. Last evaluated: 2022-02-05. Review status: criteria provided, single submitter. Criteria: Invitae Variant Classification Sherloc (09022015). Collection method: clinical testing. Allele origin: germline.
Comment: This sequence change replaces leucine, which is neutral and non-polar, with isoleucine, which is neutral and non-polar, at codon 55 of the DHX32 protein (p.Leu55Ile). In summary, the available evidence is currently insufficient to determine the role of this variant in disease. Therefore, it has been classified as a Variant of Uncertain Significance. Algorithms developed to predict the effect of missense changes on protein structure and function are either unavailable or do not agree on the potential impact of this missense change (SIFT: "Deleterious"; PolyPhen-2: "Probably Damaging"; Align-GVGD: "Class C0"). This variant has not been reported in the literature in individuals affected with DHX32-related conditions. This variant is not present in population databases (gnomAD no frequency).

NM_018180.3(DHX32):c.163C>A (p.Leu55Ile)

Gene: DHX32 (DEAH-box helicase 32 (putative); minus strand). Cytogenetic location: 10q26.2.
Variant type: single nucleotide variant.
Coding change: c.163C>A on transcript NM_018180.3 (MANE Select); coding-DNA position 163, C replaced by A.
Protein change: p.Leu55Ile; replaces leucine 55 with isoleucine.
Molecular consequence: missense variant.
Genome position (GRCh38, 1-based): chr10:125,880,662, G>T on the plus strand (C>A on the coding strand, the complement: DHX32 is on the minus strand). VCF-style: chr10-125880662-G-T. GRCh37 (hg19) VCF-style: chr10-127569231-G-T.
Other names: short protein forms L55I.
Identifiers: ClinVar variation 2093466 (VCV002093466.4), dbSNP rs2494475370, ClinGen allele CA378668667.